The following is an entry in ClinVar:

ClinVar aggregate classification (germline): Pathogenic (1 of 4 stars; one submission).

Submission:

Labcorp Genetics (formerly Invitae), Labcorp
Classification: Pathogenic. Last evaluated: 2023-11-18. Review status: criteria provided, single submitter. Criteria: Invitae Variant Classification Sherloc (09022015). Collection method: clinical testing. Allele origin: germline.
Comment: This sequence change creates a premature translational stop signal (p.Val166Glufs*28) in the POLE gene. It is expected to result in an absent or disrupted protein product. Loss-of-function variants in POLE are known to be pathogenic (PMID: 23230001, 25948378, 30503519). This variant is not present in population databases (gnomAD no frequency). This variant has not been reported in the literature in individuals affected with POLE-related conditions. ClinVar contains an entry for this variant (Variation ID: 964175). For these reasons, this variant has been classified as Pathogenic.

Literature cited by the submitters: PubMed 23230001; PubMed 25948378; PubMed 30503519.

NM_006231.4(POLE):c.497_525del (p.Val166fs)

Gene: POLE (DNA polymerase epsilon, catalytic subunit; minus strand). Cytogenetic location: 12q24.33.
Variant type: Deletion.
Coding change: c.497_525del on transcript NM_006231.4 (MANE Select); coding-DNA positions 497 to 525, 29 bases deleted (TGAGGAAGGAGATCTCCCCTGCCGTGAAG).
Protein change: p.Val166fs; shifts the reading frame from valine 166.
Molecular consequence: frameshift variant.
Genome position (GRCh38, 1-based): chr12:132,679,550-132,679,578, CTTCACGGCAGGGGAGATCTCCTTCCTCA deleted on the plus strand (TGAGGAAGGAGATCTCCCCTGCCGTGAAG on the coding strand, the reverse complement: POLE is on the minus strand); deleting any 29 consecutive bases within chr12:132,679,550-132,679,581 gives the same sequence; the c. name uses the placement nearest the transcript's 3' end. VCF-style (leftmost placement, unchanged base first): chr12-132679549-TCTTCACGGCAGGGGAGATCTCCTTCCTCA-T. GRCh37 (hg19) VCF-style: chr12-133256135-TCTTCACGGCAGGGGAGATCTCCTTCCTCA-T.
Other names: short protein forms V166fs.
Identifiers: ClinVar variation 964175 (VCV000964175.9), dbSNP rs2043123134, ClinGen allele CA1139662987.
Genomic context (GRCh38, chr12:132,679,549, plus strand): 5'-AAGTTTACCTGGAAAGCAGAGCTGTGTACGCGTCGCTGGCGTGATCCTGCTCCCTGTTCT[TCTTCACGGCAGGGGAGATCTCCTTCCTCA>T]CTTTGACAAGATCCTCCACAGTGTGGAAGGACAGCCTGATGTAATTTCGCTTCAAACCCA-3'